The following is an entry in ClinVar:

NM_012471.3(TRPC5):c.365_366delinsCT (p.Ser122Thr)

Gene: TRPC5 (transient receptor potential cation channel subfamily C member 5; minus strand). Cytogenetic location: Xq23.
Variant type: Indel.
Coding change: c.365_366delinsCT on transcript NM_012471.3 (MANE Select); coding-DNA positions 365 to 366, GC replaced by CT.
Protein change: p.Ser122Thr; replaces serine 122 with threonine.
Molecular consequence: missense variant.
Genome position (GRCh38, 1-based): chrX:111,952,055-111,952,056, GC replaced by AG on the plus strand (GC replaced by CT on the coding strand, the reverse complement: TRPC5 is on the minus strand). VCF-style: chrX-111952055-GC-AG. GRCh37 (hg19) VCF-style: chrX-111195283-GC-AG.
Other names: c.365_366delGCinsCT, p.Ser122Thr (NM_012471.2); short protein forms S122T.
Identifiers: ClinVar variation 3357724 (VCV003357724.1).

ClinVar aggregate classification (germline): Uncertain significance (0 of 4 stars; one submission).

Conditions:
TRPC5-related disorder. Also called: TRPC5-related condition.

Submission:

PreventionGenetics, part of Exact Sciences
Classification: Uncertain significance for TRPC5-related condition. Last evaluated: 2024-04-30. Review status: no assertion criteria provided. Collection method: clinical testing. Allele origin: germline.
Comment: The TRPC5 c.365_366delinsCT variant is predicted to result in an in-frame deletion and insertion. To our knowledge, this variant has not been reported in the literature or in a large population database, indicating this variant is rare. At this time, the clinical significance of this variant is uncertain due to the absence of conclusive functional and genetic evidence.